The following is an entry in ClinVar:

NM_015340.4(LARS2):c.1623-1G>T

Genes: LARS2 (leucyl-tRNA synthetase 2, mitochondrial; plus strand), LARS2-AS1 (LARS2 antisense RNA 1; minus strand). Cytogenetic location: 3p21.31.
Variant type: single nucleotide variant.
Coding change: c.1623-1G>T on transcript NM_015340.4 (MANE Select); the canonical splice acceptor site of the intron before coding-DNA position 1623, G replaced by T.
Molecular consequence: splice acceptor variant.
Genome position (GRCh38, 1-based): chr3:45,500,441, G>T. VCF-style: chr3-45500441-G-T. GRCh37 (hg19) VCF-style: chr3-45541933-G-T.
Other names: c.1623-1G>T (NM_001368263.1).
Identifiers: ClinVar variation 3601187 (VCV003601187.1).

ClinVar aggregate classification (germline): Pathogenic (1 of 4 stars; one submission).

Conditions:
Perrault syndrome 4 (PRLTS4). Identifiers: Orphanet 2855, MedGen C3809105, MONDO:0014126, OMIM 615300.

Submission:

Institute of Rare Diseases, West China Hospital, Sichuan University
Classification: Pathogenic for Perrault syndrome 4. Last evaluated: 2025-01-09. Review status: criteria provided, single submitter. Criteria: ClinGen HL ACMG Specifications v1. Collection method: research. Allele origin: germline. Affected: yes.
Comment: PVS1;PM3;PM2_Supporting